The following is an entry in ClinVar:

ClinVar aggregate classification (germline): Uncertain significance (1 of 4 stars; one submission).

Conditions:
Charcot-Marie-Tooth disease axonal type 2O. Also called: CHARCOT-MARIE-TOOTH DISEASE, AXONAL, AUTOSOMAL DOMINANT, TYPE 2O; CHARCOT-MARIE-TOOTH NEUROPATHY, AXONAL, TYPE 2O; Charcot-Marie-Tooth disease, axonal, type 20; Charcot-Marie-Tooth Neuropathy Type 2O. Identifiers: Orphanet 284232, MedGen C3280220, MONDO:0013644, OMIM 614228.

Submission:

Labcorp Genetics (formerly Invitae), Labcorp
Classification: Uncertain significance for Charcot-Marie-Tooth disease axonal type 2O. Last evaluated: 2020-02-07. Review status: criteria provided, single submitter. Criteria: Invitae Variant Classification Sherloc (09022015). Collection method: clinical testing. Allele origin: germline.
Comment: This variant is not present in population databases (ExAC no frequency). This variant has not been reported in the literature in individuals with DYNC1H1-related conditions. Algorithms developed to predict the effect of missense changes on protein structure and function are either unavailable or do not agree on the potential impact of this missense change (SIFT: "Deleterious"; PolyPhen-2: "Possibly Damaging"; Align-GVGD: "Class C0"). In summary, the available evidence is currently insufficient to determine the role of this variant in disease. Therefore, it has been classified as a Variant of Uncertain Significance. This sequence change replaces glutamic acid with lysine at codon 1428 of the DYNC1H1 protein (p.Glu1428Lys). The glutamic acid residue is moderately conserved and there is a small physicochemical difference between glutamic acid and lysine.

NM_001376.5(DYNC1H1):c.4282G>A (p.Glu1428Lys)

Gene: DYNC1H1 (dynein cytoplasmic 1 heavy chain 1; plus strand). Cytogenetic location: 14q32.31.
Variant type: single nucleotide variant.
Coding change: c.4282G>A on transcript NM_001376.5 (MANE Select); coding-DNA position 4282, G replaced by A.
Protein change: p.Glu1428Lys; replaces glutamic acid 1428 with lysine.
Molecular consequence: missense variant.
Genome position (GRCh38, 1-based): chr14:102,001,241, G>A. VCF-style: chr14-102001241-G-A. GRCh37 (hg19) VCF-style: chr14-102467578-G-A.
Other names: short protein forms E1428K.
Identifiers: ClinVar variation 844315 (VCV000844315.9), dbSNP rs2048126921, ClinGen allele CA391040478.